The following is an entry in ClinVar:

ClinVar aggregate classification (germline): Uncertain significance (1 of 4 stars; one submission).

Conditions:
Autosomal dominant limb-girdle muscular dystrophy type 1D (DNAJB6) (LGMDD1). Also called: Autosomal dominant limb-girdle muscular dystrophy type 1D; Muscular dystrophy, limb-girdle, autosomal dominant 1; MUSCULAR DYSTROPHY, AUTOSOMAL DOMINANT, WITH RIMMED VACUOLES; MUSCULAR DYSTROPHY, LIMB-GIRDLE, TYPE 1D. Identifiers: Orphanet 34516, MedGen C4721885, MONDO:0021018, OMIM 603511.

Allele frequency attached by ClinVar (database versions not stated): ExAC 0.00001.

Submission:

Labcorp Genetics (formerly Invitae), Labcorp
Classification: Uncertain significance for Autosomal dominant limb-girdle muscular dystrophy type 1D (DNAJB6). Last evaluated: 2023-07-31. Review status: criteria provided, single submitter. Criteria: Invitae Variant Classification Sherloc (09022015). Collection method: clinical testing. Allele origin: germline.
Comment: This variant has not been reported in the literature in individuals affected with DNAJB6-related conditions. Advanced modeling of protein sequence and biophysical properties (such as structural, functional, and spatial information, amino acid conservation, physicochemical variation, residue mobility, and thermodynamic stability) performed at Invitae indicates that this missense variant is not expected to disrupt DNAJB6 protein function. In summary, the available evidence is currently insufficient to determine the role of this variant in disease. Therefore, it has been classified as a Variant of Uncertain Significance. This variant is present in population databases (rs757941397, gnomAD 0.006%). This sequence change replaces proline, which is neutral and non-polar, with histidine, which is basic and polar, at codon 129 of the DNAJB6 protein (p.Pro129His).

NM_058246.4(DNAJB6):c.386C>A (p.Pro129His)

Gene: DNAJB6 (DnaJ heat shock protein family (Hsp40) member B6; plus strand). Cytogenetic location: 7q36.3.
Variant type: single nucleotide variant.
Coding change: c.386C>A on transcript NM_058246.4 (MANE Select); coding-DNA position 386, C replaced by A.
Protein change: p.Pro129His; replaces proline 129 with histidine.
Molecular consequence: missense variant. On other transcripts: intron variant (1).
Genome position (GRCh38, 1-based): chr7:157,382,285, C>A. VCF-style: chr7-157382285-C-A. GRCh37 (hg19) VCF-style: chr7-157174979-C-A.
Other names: c.386C>A, p.Pro129His (NM_005494.3); c.346+14802C>A (NM_001363676.1); short protein forms P129H.
Identifiers: ClinVar variation 3008089 (VCV003008089.3), dbSNP rs757941397, ClinGen allele CA4590505.